The following is an entry in ClinVar:

ClinVar aggregate classification (germline): Likely benign (0 of 4 stars; one submission).

Conditions:
TMEM94-related disorder. Also called: TMEM94-related condition.

gnomAD v4.1: 18 of 1,613,724 alleles (0.0011%); highest among the groups gnomAD compares: Middle Eastern, 0.033%; no homozygotes.

Submission:

PreventionGenetics, part of Exact Sciences
Classification: Likely benign for TMEM94-related condition. Last evaluated: 2024-09-06. Review status: no assertion criteria provided. Collection method: clinical testing. Allele origin: germline.
Comment: This variant is classified as likely benign based on ACMG/AMP sequence variant interpretation guidelines (Richards et al. 2015 PMID: 25741868, with internal and published modifications).

NM_014738.6(TMEM94):c.1386+21G>A

Gene: TMEM94 (transmembrane protein 94; plus strand). Cytogenetic location: 17q25.1.
Variant type: single nucleotide variant.
Coding change: c.1386+21G>A on transcript NM_014738.6 (MANE Select); 21 bases into the intron after coding-DNA position 1386, G replaced by A.
Molecular consequence: intron variant.
Genome position (GRCh38, 1-based): chr17:75,491,476, G>A. VCF-style: chr17-75491476-G-A. GRCh37 (hg19) VCF-style: chr17-73487557-G-A.
Other names: c.1398+9G>A (NM_001321149.2); c.1386+21G>A (NM_001351202.2); c.1416+21G>A (NM_001321148.2, NM_001351203.2).
Identifiers: ClinVar variation 3349506 (VCV003349506.1).
Genomic context (GRCh38, chr17:75,491,476, plus strand): 5'-CACCGATGGCCTATCCACCCGCTCCTTCTGCCATCCCGAGGTAGAGGAGGAGGTACGGCC[G>A]GCTCCCATGGGCCCGACTCTGGGCCAGGCTGTTTAGCCTTGGAGCCTGGCCAGGGAGGGT-3'